The following is an entry in ClinVar:

ClinVar aggregate classification (germline): Uncertain significance (1 of 4 stars; one submission).

gnomAD v4.1: 1 of 1,614,192 alleles (0.000062%); highest among the groups gnomAD compares: African/African-American, 0.0013%; no homozygotes.

Submission:

GeneDx
Classification: Uncertain significance. Last evaluated: 2023-06-21. Review status: criteria provided, single submitter. Criteria: GeneDx Variant Classification Process June 2021. Collection method: clinical testing. Allele origin: germline. Affected: yes.
Comment: Not observed at significant frequency in large population cohorts (gnomAD); In silico analysis supports that this missense variant does not alter protein structure/function; Has not been previously published as pathogenic or benign to our knowledge

NM_004086.3(COCH):c.295G>A (p.Glu99Lys)

Genes: COCH (cochlin; plus strand), LOC100506071 (uncharacterized LOC100506071; minus strand). Cytogenetic location: 14q12.
Variant type: single nucleotide variant.
Coding change: c.295G>A on transcript NM_004086.3 (MANE Select); coding-DNA position 295, G replaced by A.
Protein change: p.Glu99Lys; replaces glutamic acid 99 with lysine.
Molecular consequence: missense variant.
Genome position (GRCh38, 1-based): chr14:30,878,866, G>A. VCF-style: chr14-30878866-G-A. GRCh37 (hg19) VCF-style: chr14-31348072-G-A.
Other names: c.295G>A, p.Glu99Lys (NM_001135058.2); c.490G>A, p.Glu164Lys (NM_001347720.2); short protein forms E164K, E99K.
Identifiers: ClinVar variation 3359981 (VCV003359981.1).
Genomic context (GRCh38, chr14:30,878,866, plus strand): 5'-TACAGGGGAGTAATCAGCAACTCAGGGGGACCTGTACGAGTCTATAGCCTACCTGGTCGA[G>A]AAAACTATTCCTCAGTAGATGCCAATGGCATCCAGTCTCAAATGCTTTCTAGATGGTCTG-3'
Protein context (NP_004077.1, residues 89-109): PVRVYSLPGR[Glu99Lys]NYSSVDANGI